The following is an entry in ClinVar:

ClinVar aggregate classification (germline): Uncertain significance (1 of 4 stars; one submission).

Conditions:
Inborn genetic diseases. Identifiers: MedGen C0950123, MeSH D030342.

gnomAD v4.1: 4 of 1,613,534 alleles (0.00025%); highest among the groups gnomAD compares: Non-Finnish European, 0.00034%; no homozygotes.

Submission:

Ambry Genetics
Classification: Uncertain significance for Inborn genetic diseases. Last evaluated: 2026-04-05. Review status: criteria provided, single submitter. Criteria: Ambry Variant Classification Scheme 2023. Collection method: clinical testing. Allele origin: germline.
Comment: The p.D1088V variant (also known as c.3263A>T), located in coding exon 15 of the MECOM gene, results from an A to T substitution at nucleotide position 3263. The aspartic acid at codon 1088 is replaced by valine, an amino acid with highly dissimilar properties. This amino acid position is conserved. In addition, this alteration is predicted to be tolerated by in silico analysis. Based on the available evidence, the clinical significance of this variant remains unclear.

NM_004991.4(MECOM):c.3263A>T (p.Asp1088Val)

Gene: MECOM (MDS1 and EVI1 complex locus; minus strand). Cytogenetic location: 3q26.2.
Variant type: single nucleotide variant.
Coding change: c.3263A>T on transcript NM_004991.4 (MANE Select); coding-DNA position 3263, A replaced by T.
Protein change: p.Asp1088Val; replaces aspartic acid 1088 with valine.
Molecular consequence: missense variant.
Genome position (GRCh38, 1-based): chr3:169,090,138, T>A on the plus strand (A>T on the coding strand, the complement: MECOM is on the minus strand). VCF-style: chr3-169090138-T-A. GRCh37 (hg19) VCF-style: chr3-168807926-T-A.
Other names: c.2894A>T, p.Asp965Val (NM_001105077.4); c.2699A>T, p.Asp900Val (NM_001105078.4, NM_001205194.2, NM_001366469.2 and 1 more transcripts); c.2675A>T, p.Asp892Val (NM_001163999.2, NM_001366470.2); c.2672A>T, p.Asp891Val (NM_001164000.2, NM_001366471.2, NM_001366472.2); c.3236A>T, p.Asp1079Val (NM_001366466.2); c.2702A>T, p.Asp901Val (NM_001366467.2, NM_001366468.2); c.2264A>T, p.Asp755Val (NM_001366473.2); c.1700A>T, p.Asp567Val (NM_001366474.2); short protein forms D1079V, D1088V, D567V, D755V, D891V, D892V, D900V, D901V.
Identifiers: ClinVar variation 4859724 (VCV004859724.1).